The following is an entry in ClinVar:

ClinVar aggregate classification (germline): Uncertain significance. Review status: criteria provided, multiple submitters, no conflicts (2 of 4 stars). 2 submissions from 2 submitters: Uncertain significance (2). Last evaluated 2023-05-23.

Conditions:
Oculodentodigital dysplasia, autosomal recessive. Also called: OCULODENTOOSSEOUS DYSPLASIA, AUTOSOMAL RECESSIVE; ODDD, AUTOSOMAL RECESSIVE; ODOD, AUTOSOMAL RECESSIVE. Identifiers: Orphanet 2710, MedGen C2749477, MONDO:0009768, OMIM 257850.

Allele frequency attached by ClinVar (database versions not stated): gnomAD exomes below 0.00001.
gnomAD v4.1: 1 of 1,613,878 alleles (0.000062%); highest among the groups gnomAD compares: Admixed American, 0.0017%; no homozygotes.

Submissions (2):

Labcorp Genetics (formerly Invitae), Labcorp
Classification: Uncertain significance for Oculodentodigital dysplasia, autosomal recessive. Last evaluated: 2023-05-23. Review status: criteria provided, single submitter. Criteria: Invitae Variant Classification Sherloc (09022015). Collection method: clinical testing. Allele origin: germline.
Comment: In summary, the available evidence is currently insufficient to determine the role of this variant in disease. Therefore, it has been classified as a Variant of Uncertain Significance. Advanced modeling of protein sequence and biophysical properties (such as structural, functional, and spatial information, amino acid conservation, physicochemical variation, residue mobility, and thermodynamic stability) has been performed at Invitae for this missense variant, however the output from this modeling did not meet the statistical confidence thresholds required to predict the impact of this variant on GJA1 protein function. ClinVar contains an entry for this variant (Variation ID: 424248). This variant has not been reported in the literature in individuals affected with GJA1-related conditions. This variant is present in population databases (no rsID available, gnomAD 0.003%). This sequence change replaces serine, which is neutral and polar, with asparagine, which is neutral and polar, at codon 368 of the GJA1 protein (p.Ser368Asn).

GeneDx
Classification: Uncertain significance. Last evaluated: 2017-03-12. Review status: criteria provided, single submitter. Criteria: GeneDx Variant Classification (06012015). Collection method: clinical testing. Allele origin: germline. Affected: yes.
Comment: The S368N variant in the GJA1 gene has not been reported previously as a pathogenic variant, nor as a benign variant, to our knowledge. The S368N variant is not observed in large population cohorts (Lek et al., 2016; 1000 Genomes Consortium et al., 2015; Exome Variant Server). The S368N variant is a conservative amino acid substitution, which is not likely to impact secondary protein structure as these residues share similar properties. While this substitution occurs at a position that is conserved across species, in silico analysis is inconsistent in its predictions as to whether or not the variant is damaging to the protein structure/function. We interpret S368N as a variant of uncertain significance.

NM_000165.5(GJA1):c.1103G>A (p.Ser368Asn)

Gene: GJA1 (gap junction protein alpha 1; plus strand). Cytogenetic location: 6q22.31.
Variant type: single nucleotide variant.
Coding change: c.1103G>A on transcript NM_000165.5 (MANE Select); coding-DNA position 1103, G replaced by A.
Protein change: p.Ser368Asn; replaces serine 368 with asparagine.
Molecular consequence: missense variant.
Genome position (GRCh38, 1-based): chr6:121,447,950, G>A. VCF-style: chr6-121447950-G-A. GRCh37 (hg19) VCF-style: chr6-121769096-G-A.
Other names: short protein forms S368N.
Identifiers: ClinVar variation 424248 (VCV000424248.6), dbSNP rs1064796878, ClinGen allele CA16618235.